The following is an entry in ClinVar:

ClinVar aggregate classification (germline): Conflicting classifications of pathogenicity. Review status: criteria provided, conflicting classifications (1 of 4 stars). 3 submissions from 3 submitters: Uncertain significance (1); Likely benign (1). 1 of the submissions does not count toward it. Last evaluated 2024-10-16.

Conditions:
SETBP1-related disorder. Also called: SETBP1-related condition; SETBP1-related disorders.
Inborn genetic diseases. Identifiers: MedGen C0950123, MeSH D030342.

Allele frequency attached by ClinVar (database versions not stated): gnomAD exomes below 0.00001; ExAC 0.00001; gnomAD 0.00001; TOPMed 0.00001; 1000 Genomes Project 0.00020; 1000 Genomes Project 30x 0.00031.
gnomAD v4.1: 7 of 1,614,132 alleles (0.00043%); highest among the groups gnomAD compares: East Asian, 0.0022%; no homozygotes.

Submissions (3):

Labcorp Genetics (formerly Invitae), Labcorp
Classification: Likely benign. Last evaluated: 2024-10-16. Review status: criteria provided, single submitter. Criteria: Invitae Variant Classification Sherloc (09022015). Collection method: clinical testing. Allele origin: germline.

Ambry Genetics
Classification: Uncertain significance for Inborn genetic diseases. Last evaluated: 2024-07-31. Review status: criteria provided, single submitter. Criteria: Ambry Variant Classification Scheme 2023. Collection method: clinical testing. Allele origin: germline.

PreventionGenetics, part of Exact Sciences
Classification: Uncertain significance for SETBP1-related condition. Last evaluated: 2024-03-28. Review status: no assertion criteria provided. Collection method: clinical testing. Allele origin: germline. Not counted in ClinVar's aggregate classification.
Comment: The SETBP1 c.2864C>A variant is predicted to result in the amino acid substitution p.Ala955Glu. To our knowledge, this variant has not been reported in the literature. This variant is reported in 0.0040% of alleles in individuals of African descent in gnomAD. At this time, the clinical significance of this variant is uncertain due to the absence of conclusive functional and genetic evidence.

NM_015559.3(SETBP1):c.2864C>A (p.Ala955Glu)

Gene: SETBP1 (SET binding protein 1; plus strand). Cytogenetic location: 18q12.3.
Variant type: single nucleotide variant.
Coding change: c.2864C>A on transcript NM_015559.3 (MANE Select); coding-DNA position 2864, C replaced by A.
Protein change: p.Ala955Glu; replaces alanine 955 with glutamic acid.
Molecular consequence: missense variant.
Genome position (GRCh38, 1-based): chr18:44,952,204, C>A. VCF-style: chr18-44952204-C-A. GRCh37 (hg19) VCF-style: chr18-42532169-C-A.
Other names: c.2864C>A, p.Ala955Glu (NM_001379141.1, NM_001379142.1); c.2864C>A (NM_015559.2); short protein forms A955E.
Identifiers: ClinVar variation 1418326 (VCV001418326.9), dbSNP rs570984485, ClinGen allele CA8945814.